The following is an entry in ClinVar:

ClinVar aggregate classification (germline): Pathogenic. Review status: criteria provided, multiple submitters, no conflicts (2 of 4 stars). 4 submissions from 4 submitters: Pathogenic (2). 2 of the submissions do not count toward it. Last evaluated 2024-02-09.

Conditions:
Noonan-like syndrome. Also called: Noonan Syndrome-like disorder. Identifiers: MedGen C1834120. Disease mechanism: gain of function.
Takenouchi-Kosaki syndrome. Also called: Macrothrombocytopenia-lymphedema-developmental delay-facial dysmorphism-camptodactyly syndrome; MACROTHROMBOCYTOPENIA AND MENTAL RETARDATION SYNDROME. Identifiers: Orphanet 487796, MedGen C4225222, MONDO:0014757, OMIM 616737.
Abnormality of blood and blood-forming tissues. Identifiers: MedGen C0850715, HP:0001871.
Abnormality of the immune system. Identifiers: MedGen C4021753, HP:0002715.
Neurodevelopmental abnormality. Identifiers: MedGen C4022737, HP:0012759.
Postnatal growth retardation. Identifiers: MedGen C1859778, HP:0008897.
Abnormal facial shape. Also called: Dysmorphic facial features; Dysmorphic facies. Identifiers: MedGen C0424503, HP:0001999.

Submissions (4):

GeneDx
Classification: Pathogenic. Last evaluated: 2024-02-09. Review status: criteria provided, single submitter. Criteria: GeneDx Variant Classification Process June 2021. Collection method: clinical testing. Allele origin: germline. Affected: yes.
Comment: Not observed at significant frequency in large population cohorts (gnomAD); In silico analysis supports that this missense variant has a deleterious effect on protein structure/function; This variant is associated with the following publications: (PMID: 29394990, 33283961)

Tartaglia Lab, Genetics and Rare Diseases Research Division, Bambino Gesu' Children's Hospital
Classification: Pathogenic for Noonan syndrome-like disorder. Last evaluated: 2017-11-01. Review status: criteria provided, single submitter. Criteria: ACMG Guidelines, 2015. Collection method: research. Allele origin: germline. Affected: yes.

OMIM
Classification: Pathogenic for TAKENOUCHI-KOSAKI SYNDROME. Last evaluated: 2018-04-06. Review status: no assertion criteria provided. Collection method: literature only. Allele origin: germline. Not counted in ClinVar's aggregate classification.

University of Washington Center for Mendelian Genomics, University of Washington
Classification: Likely pathogenic for Postnatal growth retardation; Abnormal facial shape; Neurodevelopmental abnormality; Abnormality of the immune system; Abnormality of blood and blood-forming tissues. Review status: no assertion criteria provided. Collection method: research. Allele origin: de novo. Affected: yes. Not counted in ClinVar's aggregate classification.

Literature cited by the submitters: PubMed 29394990 (cited by OMIM and University of Washington Center for Mendelian Genomics, University of Washington).

NM_001791.4(CDC42):c.511G>A (p.Glu171Lys)

Gene: CDC42 (cell division cycle 42; plus strand). Cytogenetic location: 1p36.12.
Variant type: single nucleotide variant.
Coding change: c.511G>A on transcript NM_001791.4 (MANE Select); coding-DNA position 511, G replaced by A.
Protein change: p.Glu171Lys; replaces glutamic acid 171 with lysine.
Molecular consequence: missense variant.
Genome position (GRCh38, 1-based): chr1:22,091,452, G>A. VCF-style: chr1-22091452-G-A. GRCh37 (hg19) VCF-style: chr1-22417945-G-A.
Other names: c.511G>A, p.Glu171Lys (NM_001039802.2); short protein forms E171K.
Identifiers: ClinVar variation 487654 (VCV000487654.3), dbSNP rs1553196539, ClinGen allele CA338909618.